The following is an entry in ClinVar:

NM_001447.3(FAT2):c.3834A>C (p.Arg1278Ser)

Genes: FAT2 (FAT atypical cadherin 2; minus strand), SLC36A1 (solute carrier family 36 member 1; plus strand). Cytogenetic location: 5q33.1.
Variant type: single nucleotide variant.
Coding change: c.3834A>C on transcript NM_001447.3 (MANE Select); coding-DNA position 3834, A replaced by C.
Protein change: p.Arg1278Ser; replaces arginine 1278 with serine.
Molecular consequence: missense variant.
Genome position (GRCh38, 1-based): chr5:151,554,473, T>G on the plus strand (A>C on the coding strand, the complement: FAT2 is on the minus strand). VCF-style: chr5-151554473-T-G. GRCh37 (hg19) VCF-style: chr5-150934034-T-G.
Other names: short protein forms R1278S.
Identifiers: ClinVar variation 1716449 (VCV001716449.5), dbSNP rs1757511506, ClinGen allele CA361848372.

ClinVar aggregate classification (germline): Uncertain significance (1 of 4 stars; one submission).

Submission:

Labcorp Genetics (formerly Invitae), Labcorp
Classification: Uncertain significance. Last evaluated: 2022-08-14. Review status: criteria provided, single submitter. Criteria: Invitae Variant Classification Sherloc (09022015). Collection method: clinical testing. Allele origin: germline.
Comment: In summary, the available evidence is currently insufficient to determine the role of this variant in disease. Therefore, it has been classified as a Variant of Uncertain Significance. Algorithms developed to predict the effect of missense changes on protein structure and function output the following: SIFT: "Tolerated"; PolyPhen-2: "Benign"; Align-GVGD: "Class C0". The serine amino acid residue is found in multiple mammalian species, which suggests that this missense change does not adversely affect protein function. This variant has not been reported in the literature in individuals affected with FAT2-related conditions. This variant is not present in population databases (gnomAD no frequency). This sequence change replaces arginine, which is basic and polar, with serine, which is neutral and polar, at codon 1278 of the FAT2 protein (p.Arg1278Ser).